The following is an entry in ClinVar:

ClinVar aggregate classification (germline): Uncertain significance (0 of 4 stars; one submission).

Conditions:
TTN-related disorder. Also called: TTN-related disorders; TTN-related condition; TTN-related disease.

gnomAD v4.1: 2 of 1,614,030 alleles (0.00012%); highest among the groups gnomAD compares: Non-Finnish European, 0.00017%; no homozygotes.

Submission:

PreventionGenetics, part of Exact Sciences
Classification: Uncertain significance for TTN-related condition. Last evaluated: 2024-03-28. Review status: no assertion criteria provided. Collection method: clinical testing. Allele origin: germline.
Comment: The TTN c.8099C>A variant is predicted to result in the amino acid substitution p.Ala2700Asp. To our knowledge, this variant has not been reported in the literature. This variant is reported in 0.00088% of alleles in individuals of European (Non-Finnish) descent in gnomAD. At this time, the clinical significance of this variant is uncertain due to the absence of conclusive functional and genetic evidence.

NM_001267550.2(TTN):c.8099C>A (p.Ala2700Asp)

Gene: TTN (titin; minus strand). Cytogenetic location: 2q31.2.
Variant type: single nucleotide variant.
Coding change: c.8099C>A on transcript NM_001267550.2 (MANE Select); coding-DNA position 8099, C replaced by A.
Protein change: p.Ala2700Asp; replaces alanine 2700 with aspartic acid.
Molecular consequence: missense variant.
Genome position (GRCh38, 1-based): chr2:178,771,228, G>T on the plus strand (C>A on the coding strand, the complement: TTN is on the minus strand). VCF-style: chr2-178771228-G-T. GRCh37 (hg19) VCF-style: chr2-179635955-G-T.
Other names: c.8099C>A, p.Ala2700Asp (NM_001256850.1, NM_133378.4, NM_133379.5); c.7961C>A, p.Ala2654Asp (NM_003319.4, NM_133432.3, NM_133437.4); short protein forms A2654D, A2700D.
Identifiers: ClinVar variation 3348976 (VCV003348976.1).